The following is an entry in ClinVar:

NM_001127178.3(PIGG):c.1579_1580delinsG (p.Thr527fs)

Gene: PIGG (phosphatidylinositol glycan anchor biosynthesis class G; plus strand). Cytogenetic location: 4p16.3.
Variant type: Indel.
Coding change: c.1579_1580delinsG on transcript NM_001127178.3 (MANE Select); coding-DNA positions 1579 to 1580, AC replaced by G.
Protein change: p.Thr527fs; shifts the reading frame from threonine 527.
Molecular consequence: frameshift variant. On other transcripts: 3 prime UTR variant (2), non-coding transcript variant (10).
Genome position (GRCh38, 1-based): chr4:521,906-521,907, AC replaced by G. VCF-style: chr4-521906-AC-G. GRCh37 (hg19) VCF-style: chr4-515695-AC-G.
Other names: c.1312_1313delinsG, p.Thr438fs (NM_001289051.2, NM_001289053.2, NM_001345986.2); c.1180_1181delinsG, p.Thr394fs (NM_001289052.2); c.*141_*142delinsG (NM_001289055.2); c.*194_*195delinsG (NM_001289057.2); c.1288_1289delinsG, p.Thr430fs (NM_001345987.2); c.550_551delinsG, p.Thr184fs (NM_001345988.2); c.1579_1580delinsG, p.Thr527fs (NM_001345989.2); c.46_47delinsG, p.Thr16fs (NM_001345990.2, NM_001345991.2); and 2 more; short protein forms T184fs, T394fs, T438fs, T527fs, T161fs, T16fs, T430fs, T519fs.
Identifiers: ClinVar variation 817494 (VCV000817494.1), dbSNP rs1577095404, ClinGen allele CA915942994.

ClinVar aggregate classification (germline): Pathogenic (1 of 4 stars; one submission).

Submission:

GeneDx
Classification: Pathogenic. Last evaluated: 2019-03-13. Review status: criteria provided, single submitter. Criteria: GeneDx Variant Classification (06012015). Collection method: clinical testing. Allele origin: germline. Affected: yes.
Comment: The c.1579_1580delACinsG pathogenic variant in the PIGG gene causes a frameshift starting with codon Threonine 527, changes this amino acid to an Alanine residue and creates a premature Stop codon at position 24 of the new reading frame, denoted p.Thr527AlafsX24. This pathogenic variant is predicted to cause loss of normal protein function either through protein truncation or nonsense-mediated mRNA decay. The c.1579_1580delACinsG variant is not observed in large population cohorts (Lek et al., 2016).